The following is an entry in ClinVar:

NM_058246.4(DNAJB6):c.142C>G (p.Gln48Glu)

Gene: DNAJB6 (DnaJ heat shock protein family (Hsp40) member B6; plus strand). Cytogenetic location: 7q36.3.
Variant type: single nucleotide variant.
Coding change: c.142C>G on transcript NM_058246.4 (MANE Select); coding-DNA position 142, C replaced by G.
Protein change: p.Gln48Glu; replaces glutamine 48 with glutamic acid.
Molecular consequence: missense variant.
Genome position (GRCh38, 1-based): chr7:157,363,237, C>G. VCF-style: chr7-157363237-C-G. GRCh37 (hg19) VCF-style: chr7-157155931-C-G.
Other names: c.142C>G, p.Gln48Glu (NM_001363676.1, NM_005494.3); short protein forms Q48E.
Identifiers: ClinVar variation 963673 (VCV000963673.10), dbSNP rs1799691943, ClinGen allele CA370165793.

ClinVar aggregate classification (germline): Uncertain significance (1 of 4 stars; one submission).

Conditions:
Autosomal dominant limb-girdle muscular dystrophy type 1D (DNAJB6) (LGMDD1). Also called: Autosomal dominant limb-girdle muscular dystrophy type 1D; Muscular dystrophy, limb-girdle, autosomal dominant 1; MUSCULAR DYSTROPHY, AUTOSOMAL DOMINANT, WITH RIMMED VACUOLES; MUSCULAR DYSTROPHY, LIMB-GIRDLE, TYPE 1D. Identifiers: Orphanet 34516, MedGen C4721885, MONDO:0021018, OMIM 603511.

Allele frequency attached by ClinVar (database versions not stated): gnomAD exomes 0.00001.
gnomAD v4.1: 3 of 1,611,138 alleles (0.00019%); highest among the groups gnomAD compares: South Asian, 0.0033%; no homozygotes.

Submission:

Labcorp Genetics (formerly Invitae), Labcorp
Classification: Uncertain significance for Autosomal dominant limb-girdle muscular dystrophy type 1D (DNAJB6). Last evaluated: 2022-06-04. Review status: criteria provided, single submitter. Criteria: Invitae Variant Classification Sherloc (09022015). Collection method: clinical testing. Allele origin: germline.
Comment: This sequence change replaces glutamine, which is neutral and polar, with glutamic acid, which is acidic and polar, at codon 48 of the DNAJB6 protein (p.Gln48Glu). This variant is not present in population databases (gnomAD no frequency). This variant has not been reported in the literature in individuals affected with DNAJB6-related conditions. ClinVar contains an entry for this variant (Variation ID: 963673). Algorithms developed to predict the effect of missense changes on protein structure and function (SIFT, PolyPhen-2, Align-GVGD) all suggest that this variant is likely to be tolerated. In summary, the available evidence is currently insufficient to determine the role of this variant in disease. Therefore, it has been classified as a Variant of Uncertain Significance.